The following is an entry in ClinVar:

NM_000238.4(KCNH2):c.899C>T (p.Pro300Leu)

Gene: KCNH2 (potassium voltage-gated channel subfamily H member 2; minus strand). Cytogenetic location: 7q36.1.
Variant type: single nucleotide variant.
Coding change: c.899C>T on transcript NM_000238.4 (MANE Select); coding-DNA position 899, C replaced by T.
Protein change: p.Pro300Leu; replaces proline 300 with leucine.
Molecular consequence: missense variant.
Genome position (GRCh38, 1-based): chr7:150,958,076, G>A on the plus strand (C>T on the coding strand, the complement: KCNH2 is on the minus strand). VCF-style: chr7-150958076-G-A. GRCh37 (hg19) VCF-style: chr7-150655164-G-A.
Other names: c.611C>T, p.Pro204Leu (NM_001406753.1, NM_001406756.1); c.722C>T, p.Pro241Leu (NM_001406755.1); c.599C>T, p.Pro200Leu (NM_001406757.1); c.899C>T, p.Pro300Leu (NM_172056.3); short protein forms P300L, P204L, P200L, P241L.
Identifiers: ClinVar variation 1449884 (VCV001449884.11), dbSNP rs1801437545, ClinGen allele CA369862099.

ClinVar aggregate classification (germline): Uncertain significance. Review status: criteria provided, multiple submitters, no conflicts (2 of 4 stars). 3 submissions from 3 submitters: Uncertain significance (3). Last evaluated 2026-04-04.

Conditions:
Cardiovascular phenotype. Identifiers: MedGen CN230736.
Short QT syndrome type 1. Identifiers: Orphanet 51083, MedGen C1865020, MONDO:0012312, OMIM 609620.
Long QT syndrome 2 (LQT2). Identifiers: Orphanet 101016, Orphanet 768, MedGen C3150943, MONDO:0013367, OMIM 613688.
Long QT syndrome (LQTS). Identifiers: MedGen C0023976, MeSH D008133, MONDO:0002442. Disease mechanism: loss of function. Inheritance: Various modes of inheritance.

Allele frequency attached by ClinVar (database versions not stated): TOPMed 0.00001; gnomAD exomes below 0.00001.
gnomAD v4.1: 1 of 1,274,564 alleles (0.000078%); highest among the groups gnomAD compares: Non-Finnish European, 0.000099%; no homozygotes.

Submissions (3):

Ambry Genetics
Classification: Uncertain significance for Cardiovascular phenotype. Last evaluated: 2026-04-04. Review status: criteria provided, single submitter. Criteria: Ambry Variant Classification Scheme 2023. Collection method: clinical testing. Allele origin: germline.
Comment: The p.P300L variant (also known as c.899C>T), located in coding exon 4 of the KCNH2 gene, results from a C to T substitution at nucleotide position 899. The proline at codon 300 is replaced by leucine, an amino acid with similar properties. This amino acid position is conserved. In addition, the in silico prediction for this alteration is inconclusive. Based on the available evidence, the clinical significance of this variant remains unclear.

Labcorp Genetics (formerly Invitae), Labcorp
Classification: Uncertain significance for Long QT syndrome. Last evaluated: 2022-07-26. Review status: criteria provided, single submitter. Criteria: Invitae Variant Classification Sherloc (09022015). Collection method: clinical testing. Allele origin: germline.
Comment: In summary, the available evidence is currently insufficient to determine the role of this variant in disease. Therefore, it has been classified as a Variant of Uncertain Significance. Algorithms developed to predict the effect of missense changes on protein structure and function (SIFT, PolyPhen-2, Align-GVGD) all suggest that this variant is likely to be tolerated. ClinVar contains an entry for this variant (Variation ID: 1449884). This variant has not been reported in the literature in individuals affected with KCNH2-related conditions. This variant is not present in population databases (gnomAD no frequency). This sequence change replaces proline, which is neutral and non-polar, with leucine, which is neutral and non-polar, at codon 300 of the KCNH2 protein (p.Pro300Leu).

Fulgent Genetics
Classification: Uncertain significance for Short QT syndrome type 1; Long QT syndrome 2. Last evaluated: 2021-11-02. Review status: criteria provided, single submitter. Criteria: ACMG Guidelines, 2015. Collection method: clinical testing. Allele origin: unknown.